The following is an entry in ClinVar:

ClinVar aggregate classification (germline): Benign/Likely benign. Review status: criteria provided, multiple submitters, no conflicts (2 of 4 stars). 5 submissions from 5 submitters: Benign (3); Likely benign (2). Last evaluated 2025-11-10.

Conditions:
DICER1-related tumor predisposition. Also called: DICER1-related pleuropulmonary blastoma cancer predisposition syndrome; DICER1 syndrome. Identifiers: Orphanet 284343, MedGen C3839822, MONDO:0100216.

Allele frequency attached by ClinVar (database versions not stated): gnomAD 0.00185 and 0.00201; gnomAD exomes 0.00819; ExAC 0.00986.

Submissions (5):

Labcorp Genetics (formerly Invitae), Labcorp
Classification: Benign for DICER1-related tumor predisposition. Last evaluated: 2025-11-10. Review status: criteria provided, single submitter. Criteria: Invitae Variant Classification Sherloc (09022015). Collection method: clinical testing. Allele origin: germline.

Center for Genomic Medicine, Rigshospitalet, Copenhagen University Hospital
Classification: Likely benign. Last evaluated: 2025-03-04. Review status: criteria provided, single submitter. Criteria: ACMG Guidelines, 2015. Collection method: clinical testing. Allele origin: germline.

Department of Pathology and Laboratory Medicine, Sinai Health System
Classification: Benign for DICER1-related tumor predisposition. Last evaluated: 2024-10-22. Review status: criteria provided, single submitter. Criteria: ACMG Guidelines, 2015. Collection method: clinical testing. Allele origin: germline.

Mayo Clinic Laboratories, Mayo Clinic
Classification: Benign. Last evaluated: 2024-10-21. Review status: criteria provided, single submitter. Criteria: ACMG Guidelines, 2015. Collection method: clinical testing. Allele origin: germline. Observed: 2 variant alleles.
Comment: BA1, BS2, BP4, BP7

GeneDx
Classification: Likely benign. Last evaluated: 2019-08-15. Review status: criteria provided, single submitter. Criteria: GeneDx Variant Classification Process June 2021. Collection method: clinical testing. Allele origin: germline. Affected: yes.

NM_177438.3(DICER1):c.4206+9_4206+21del

Gene: DICER1 (dicer 1, ribonuclease III; minus strand). Cytogenetic location: 14q32.13.
Variant type: Deletion.
Coding change: c.4206+9_4206+21del on transcript NM_177438.3 (MANE Select); bases 9 to 21 of the intron after coding-DNA position 4206, 13 bases deleted (GTGTGTGTGTGTG).
Molecular consequence: intron variant.
Genome position (GRCh38, 1-based): chr14:95,099,759-95,099,771, CACACACACACAC deleted on the plus strand (GTGTGTGTGTGTG on the coding strand, the reverse complement: DICER1 is on the minus strand). VCF-style (leftmost placement, unchanged base first): chr14-95099758-ACACACACACACAC-A. GRCh37 (hg19) VCF-style: chr14-95566095-ACACACACACACAC-A.
Other names: p.?; c.4206+9_4206+21delGTGTGTGTGTGTG (NM_177438.3, NM_177438.2); c.4206+9_4206+21del (NM_001271282.3, NM_001195573.1, NM_001291628.2 and 1 more transcripts).
Identifiers: ClinVar variation 477188 (VCV000477188.22), dbSNP rs746597527, ClinGen allele CA7330904.
Genomic context (GRCh38, chr14:95,099,758, plus strand): 5'-TATTTGGCTCACCGAAAAGTAAATCCCTCCAGTTACACACACACACACACACACACACAC[ACACACACACACAC>A]AAACTTACCATTTCATCTTTTTCCCATTTATCTGTGTTGCTTTTGTCTTGATTTACTACA-3'